The following is an entry in ClinVar:

ClinVar aggregate classification (germline): Uncertain significance (1 of 4 stars; one submission).

gnomAD v4.1: 1 of 1,610,654 alleles (0.000062%); highest among the groups gnomAD compares: Non-Finnish European, 0.000085%; no homozygotes.

Submission:

Labcorp Genetics (formerly Invitae), Labcorp
Classification: Uncertain significance. Last evaluated: 2022-05-17. Review status: criteria provided, single submitter. Criteria: Invitae Variant Classification Sherloc (09022015). Collection method: clinical testing. Allele origin: germline.
Comment: In summary, the available evidence is currently insufficient to determine the role of this variant in disease. Therefore, it has been classified as a Variant of Uncertain Significance. Algorithms developed to predict the effect of sequence changes on RNA splicing suggest that this variant may disrupt the consensus splice site. Algorithms developed to predict the effect of missense changes on protein structure and function are either unavailable or do not agree on the potential impact of this missense change (SIFT: "Tolerated"; PolyPhen-2: "Possibly Damaging"; Align-GVGD: "Class C0"). This variant has not been reported in the literature in individuals affected with TNFRSF9-related conditions. This variant is not present in population databases (gnomAD no frequency). This sequence change replaces glycine, which is neutral and non-polar, with alanine, which is neutral and non-polar, at codon 116 of the TNFRSF9 protein (p.Gly116Ala).

NM_001561.6(TNFRSF9):c.347G>C (p.Gly116Ala)

Gene: TNFRSF9 (TNF receptor superfamily member 9; minus strand). Cytogenetic location: 1p36.23.
Variant type: single nucleotide variant.
Coding change: c.347G>C on transcript NM_001561.6 (MANE Select); coding-DNA position 347, G replaced by C.
Protein change: p.Gly116Ala; replaces glycine 116 with alanine.
Molecular consequence: missense variant.
Genome position (GRCh38, 1-based): chr1:7,937,756, C>G on the plus strand (G>C on the coding strand, the complement: TNFRSF9 is on the minus strand). VCF-style: chr1-7937756-C-G. GRCh37 (hg19) VCF-style: chr1-7997816-C-G.
Other names: short protein forms G116A.
Identifiers: ClinVar variation 1995731 (VCV001995731.4), dbSNP rs752004630, ClinGen allele CA338159494.